The following is an entry in ClinVar:

NM_020778.5(ALPK3):c.1064G>T (p.Cys355Phe)

Gene: ALPK3 (alpha kinase 3; plus strand). Cytogenetic location: 15q25.3.
Variant type: single nucleotide variant.
Coding change: c.1064G>T on transcript NM_020778.5 (MANE Select); coding-DNA position 1064, G replaced by T.
Protein change: p.Cys355Phe; replaces cysteine 355 with phenylalanine.
Molecular consequence: missense variant.
Genome position (GRCh38, 1-based): chr15:84,840,343, G>T. VCF-style: chr15-84840343-G-T. GRCh37 (hg19) VCF-style: chr15-85383574-G-T.
Other names: short protein forms C355F.
Identifiers: ClinVar variation 3729501 (VCV003729501.2).

ClinVar aggregate classification (germline): Uncertain significance (1 of 4 stars; one submission).

Submission:

Labcorp Genetics (formerly Invitae), Labcorp
Classification: Uncertain significance. Last evaluated: 2025-02-03. Review status: criteria provided, single submitter. Criteria: Invitae Variant Classification Sherloc (09022015). Collection method: clinical testing. Allele origin: germline.
Comment: This sequence change replaces cysteine, which is neutral and slightly polar, with phenylalanine, which is neutral and non-polar, at codon 557 of the ALPK3 protein (p.Cys557Phe). This variant is not present in population databases (gnomAD no frequency). This variant has not been reported in the literature in individuals affected with ALPK3-related conditions. An algorithm developed to predict the effect of missense changes on protein structure and function (PolyPhen-2) suggests that this variant is likely to be tolerated. In summary, the available evidence is currently insufficient to determine the role of this variant in disease. Therefore, it has been classified as a Variant of Uncertain Significance.